The following is an entry in ClinVar:

NM_138773.4(SLC25A46):c.3G>A (p.Met1Ile)

Gene: SLC25A46 (solute carrier family 25 member 46; plus strand). Cytogenetic location: 5q22.1.
Variant type: single nucleotide variant.
Coding change: c.3G>A on transcript NM_138773.4 (MANE Select); coding-DNA position 3, G replaced by A.
Protein change: p.Met1Ile; changes the start codon (methionine 1).
Molecular consequence: missense variant, initiator codon variant. On other transcripts: non-coding transcript variant (1), intron variant (1).
Genome position (GRCh38, 1-based): chr5:110,739,122, G>A. VCF-style: chr5-110739122-G-A. GRCh37 (hg19) VCF-style: chr5-110074823-G-A.
Other names: c.3G>A, p.Met1Ile (NM_001303249.3); c.10+875G>A (NM_001303250.3); short protein forms M1I.
Identifiers: ClinVar variation 1428613 (VCV001428613.7), dbSNP rs1799527654, ClinGen allele CA360692941.
Genomic context (GRCh38, chr5:110,739,122, plus strand): 5'-TGGTGGCCCCGGTGGTGGTGGGCTCCGGGCGGGCTCGCGTCATCCTGCCCCCGCTGCGAT[G>A]CATCCGCGGCGCCCGGACGGATTTGATGGCTTGGGCTACCGGGGTGGTGCCCGGGACGAG-3'
Protein context (NP_620128.1, residues 1-11): [Met1Ile]HPRRPDGFDG

ClinVar aggregate classification (germline): Uncertain significance (1 of 4 stars; one submission).

Conditions:
Neuropathy, hereditary motor and sensory, type 6B (HMSN6B). Also called: HMSN VIB; CHARCOT-MARIE-TOOTH DISEASE, TYPE 6B; NEUROPATHY, HEREDITARY MOTOR AND SENSORY, TYPE VIB, WITH OPTIC ATROPHY; Neuropathy, hereditary motor and sensory, type VIB. Identifiers: MedGen C4225302, MONDO:0014671, OMIM 616505.

Submission:

Labcorp Genetics (formerly Invitae), Labcorp
Classification: Uncertain significance for Neuropathy, hereditary motor and sensory, type 6B. Last evaluated: 2022-09-19. Review status: criteria provided, single submitter. Criteria: Invitae Variant Classification Sherloc (09022015). Collection method: clinical testing. Allele origin: germline.
Comment: ClinVar contains an entry for this variant (Variation ID: 1428613). This variant has not been reported in the literature in individuals affected with SLC25A46-related conditions. This variant is not present in population databases (gnomAD no frequency). This sequence change affects the initiator methionine of the SLC25A46 mRNA. The next in-frame methionine is located at codon 147. Experimental studies and prediction algorithms are not available or were not evaluated, and the functional significance of this variant is currently unknown. In summary, the available evidence is currently insufficient to determine the role of this variant in disease. Therefore, it has been classified as a Variant of Uncertain Significance.